The following is an entry in ClinVar:

NM_022124.6(CDH23):c.2991G>A (p.Pro997=)

Gene: CDH23 (cadherin related 23; plus strand). Cytogenetic location: 10q22.1.
Variant type: single nucleotide variant.
Coding change: c.2991G>A on transcript NM_022124.6 (MANE Select); coding-DNA position 2991, G replaced by A.
Protein change: p.Pro997=; no amino-acid change (proline 997 retained).
Molecular consequence: synonymous variant.
Genome position (GRCh38, 1-based): chr10:71,706,934, G>A. VCF-style: chr10-71706934-G-A. GRCh37 (hg19) VCF-style: chr10-73466691-G-A.
Other names: c.2991G>A, p.Pro997= (NM_001171930.2, NM_001171931.2); c.2991G>A (NM_022124.5).
Identifiers: ClinVar variation 2065303 (VCV002065303.2), dbSNP rs376773015, ClinGen allele CA5544416.
Genomic context (GRCh38, chr10:71,706,934, plus strand): 5'-CCGGCGCCCGTTCTGCCCCGCAGTGCTGGATGTGAACGACGAGACGCCCACCTTCTTCCC[G>A]GCCGTGTACAATGTGTCTGTGTCCGAGGACGTGCCACGCGAGTTCCGGGTGGTCTGGCTG-3'
Protein context (NP_071407.4, residues 987-1007): DVNDETPTFF[Pro997=]AVYNVSVSED

ClinVar aggregate classification (germline): Uncertain significance. Review status: criteria provided, multiple submitters, no conflicts (2 of 4 stars). 2 submissions from 2 submitters: Uncertain significance (2). Last evaluated 2026-07-27.

Conditions:
CDH23-related disorder. Also called: CDH23-related condition; CDH23-related disorders.

Allele frequency attached by ClinVar (database versions not stated): ESP Exome Variant Server 0.00008; ExAC 0.00011; gnomAD 0.00002; TOPMed 0.00005.

Submissions (2):

PreventionGenetics, part of Exact Sciences
Classification: Uncertain significance for CDH23-related condition. Last evaluated: 2026-07-27. Review status: criteria provided, single submitter. Criteria: ACMG Guidelines, 2015. Collection method: clinical testing. Allele origin: germline.
Comment: The CDH23 c.2991G>A variant is not predicted to result in an amino acid change (p.=). This variant is predicted to alter splicing based on available splicing prediction programs (SpliceAI, Jaganathan et al. 2019. PubMed ID: 30661751). However, the use of computer prediction programs is not equivalent to functional evidence. To our knowledge, this variant has not been reported in the literature. This variant is reported in 0.011% of alleles in individuals of East Asian descent in gnomAD. At this time, the clinical significance of this variant is uncertain due to the absence of conclusive functional and genetic evidence.

Labcorp Genetics (formerly Invitae), Labcorp
Classification: Uncertain significance. Last evaluated: 2022-08-23. Review status: criteria provided, single submitter. Criteria: Invitae Variant Classification Sherloc (09022015). Collection method: clinical testing. Allele origin: germline.
Comment: This sequence change affects codon 997 of the CDH23 mRNA. It is a 'silent' change, meaning that it does not change the encoded amino acid sequence of the CDH23 protein. This variant is present in population databases (rs376773015, gnomAD 0.01%). This variant has not been reported in the literature in individuals affected with CDH23-related conditions. Algorithms developed to predict the effect of sequence changes on RNA splicing suggest that this variant may create or strengthen a splice site. In summary, the available evidence is currently insufficient to determine the role of this variant in disease. Therefore, it has been classified as a Variant of Uncertain Significance.